The following is an entry in ClinVar:

NM_001267550.2(TTN):c.72632C>G (p.Ser24211Ter)

Genes: TTN (titin; minus strand), TTN-AS1 (TTN antisense RNA 1; plus strand). Cytogenetic location: 2q31.2.
Variant type: single nucleotide variant.
Coding change: c.72632C>G on transcript NM_001267550.2 (MANE Select); coding-DNA position 72632, C replaced by G.
Protein change: p.Ser24211Ter; replaces serine 24211 with a stop codon.
Molecular consequence: nonsense.
Genome position (GRCh38, 1-based): chr2:178,573,500, G>C on the plus strand (C>G on the coding strand, the complement: TTN is on the minus strand). VCF-style: chr2-178573500-G-C. GRCh37 (hg19) VCF-style: chr2-179438227-G-C.
Other names: c.67709C>G, p.Ser22570Ter (NM_001256850.1); c.45437C>G, p.Ser15146Ter (NM_003319.4); c.64928C>G, p.Ser21643Ter (NM_133378.4); c.45812C>G, p.Ser15271Ter (NM_133432.3); c.46013C>G, p.Ser15338Ter (NM_133437.4); short protein forms S15146*, S24211*, S15271*, S15338*, S22570*, S21643*.
Identifiers: ClinVar variation 1741373 (VCV001741373.2), dbSNP rs2468588268, ClinGen allele CA349646279.

ClinVar aggregate classification (germline): Likely pathogenic (1 of 4 stars; one submission).

Conditions:
Cardiovascular phenotype. Identifiers: MedGen CN230736.

Submission:

Ambry Genetics
Classification: Likely pathogenic for Cardiovascular phenotype. Last evaluated: 2021-01-13. Review status: criteria provided, single submitter. Criteria: Ambry Variant Classification Scheme 2023. Collection method: clinical testing. Allele origin: germline.
Comment: The p.S15146* variant (also known as c.45437C>G), located in coding exon 153 of the TTN gene, results from a C to G substitution at nucleotide position 45437. This changes the amino acid from a serine to a stop codon within coding exon 153. This exon is located in the A-band region of the N2-B isoform of the titin protein and is constitutively expressed in TTN transcripts (percent spliced in or PSI 100%). This alteration is expected to result in loss of function by premature protein truncation or nonsense-mediated mRNA decay. While truncating variants in TTN are present in 1-3% of the general population, truncating variants in the A-band are the most common cause of dilated cardiomyopathy (DCM) (Herman DS et al. N. Engl. J. Med., 2012 Feb;366:619-28; Roberts AM et al. Sci Transl Med, 2015 Jan;7:270ra6). TTN truncating variants encoded in constitutive exons (PSI >90%) have been found to be significantly associated with DCM regardless of their position in titin (Schafer S et al. Nat. Genet., 2017 01;49:46-53). This variant was not reported in population-based cohorts in the Genome Aggregation Database (gnomAD). Based on the majority of available evidence to date, this variant is likely to be pathogenic.